The following is an entry in ClinVar:

NM_032322.4(RNF135):c.1281_1283del (p.Ile427_Lys428delinsMet)

Gene: RNF135 (ring finger protein 135; plus strand). Cytogenetic location: 17q11.2.
Variant type: Deletion.
Coding change: c.1281_1283del on transcript NM_032322.4 (MANE Select); coding-DNA positions 1281 to 1283, 3 bases deleted (AAA; older notation c.1281_1283delAAA).
Protein change: p.Ile427_Lys428delinsMet.
Molecular consequence: inframe indel. On other transcripts: 3 prime UTR variant (2).
Genome position (GRCh38, 1-based): chr17:30,999,173-30,999,175, AAA deleted. VCF-style (leftmost placement, unchanged base first): chr17-30999172-TAAA-T. GRCh37 (hg19) VCF-style: chr17-29326190-TAAA-T.
Other names: c.*485_*487del (NM_001184992.2, NM_197939.2).
Identifiers: ClinVar variation 1326710 (VCV001326710.2), dbSNP rs1274512229, ClinGen allele CA625785599.
Genomic context (GRCh38, chr17:30,999,172, plus strand): 5'-CCTCTCCTTTGTACCCTGCCTTCTGGCTGTATGGCTTACATCCTGGAAATTACCTGATAA[TAAA>T]GCAAGTAAAGGTGTAAGGTTTCCTAAGGGATTACAACACAGTGGTTTCCTGGTCTCTCTC-3'

ClinVar aggregate classification (germline): Uncertain significance (1 of 4 stars; one submission).

Allele frequency attached by ClinVar (database versions not stated): gnomAD exomes below 0.00001; TOPMed below 0.00001; gnomAD 0.00001.

Submission:

GeneDx
Classification: Uncertain significance. Last evaluated: 2021-05-28. Review status: criteria provided, single submitter. Criteria: GeneDx Variant Classification Process June 2021. Collection method: clinical testing. Allele origin: germline. Affected: yes.
Comment: Not observed at significant frequency in large population cohorts (Lek et al., 2016); In-frame deletion of 2 amino acids and insertion of 1 amino acids in a non-repeat region; In silico analysis supports a deleterious effect on protein structure/function; Has not been previously published as pathogenic or benign to our knowledge; This variant is associated with the following publications: (PMID: 27535533)